The following is an entry in ClinVar:

NM_001365951.3(KIF1B):c.3078T>G (p.Ile1026Met)

Gene: KIF1B (kinesin family member 1B; plus strand). Cytogenetic location: 1p36.22.
Variant type: single nucleotide variant.
Coding change: c.3078T>G on transcript NM_001365951.3 (MANE Select); coding-DNA position 3078, T replaced by G.
Protein change: p.Ile1026Met; replaces isoleucine 1026 with methionine.
Molecular consequence: missense variant.
Genome position (GRCh38, 1-based): chr1:10,336,691, T>G. VCF-style: chr1-10336691-T-G. GRCh37 (hg19) VCF-style: chr1-10396749-T-G.
Other names: c.3078T>G, p.Ile1026Met (NM_001365952.1); c.2940T>G, p.Ile980Met (NM_015074.3); short protein forms I980M, I1026M.
Identifiers: ClinVar variation 3534011 (VCV003534011.1).

ClinVar aggregate classification (germline): Uncertain significance (1 of 4 stars; one submission).

Submission:

Ambry Genetics
Classification: Uncertain significance. Last evaluated: 2024-09-09. Review status: criteria provided, single submitter. Criteria: Ambry Variant Classification Scheme 2023. Collection method: clinical testing. Allele origin: germline.
Comment: The p.I980M variant (also known as c.2940T>G), located in coding exon 26 of the KIF1B gene, results from a T to G substitution at nucleotide position 2940. The isoleucine at codon 980 is replaced by methionine, an amino acid with highly similar properties. This amino acid position is conserved. In addition, this alteration is predicted to be tolerated by in silico analysis. Based on the available evidence, the clinical significance of this variant remains unclear.